The following is an entry in ClinVar:

ClinVar aggregate classification (germline): Benign (0 of 4 stars; one submission).

Conditions:
MYO16-related disorder. Also called: MYO16-related condition.

Allele frequency attached by ClinVar (database versions not stated): ESP Exome Variant Server 0.00746; gnomAD 0.00987; TOPMed 0.01100; gnomAD exomes 0.01359; ExAC 0.01621; 1000 Genomes Project 0.01977; 1000 Genomes Project 30x 0.02030.
gnomAD v4.1: 21,214 of 1,612,448 alleles (1.3%); highest among the groups gnomAD compares: South Asian, 3.8%; 217 homozygotes.

Submission:

PreventionGenetics, part of Exact Sciences
Classification: Benign for MYO16-related condition. Last evaluated: 2019-02-20. Review status: no assertion criteria provided. Collection method: clinical testing. Allele origin: germline.
Comment: This variant is classified as benign based on ACMG/AMP sequence variant interpretation guidelines (Richards et al. 2015 PMID: 25741868, with internal and published modifications).

NM_001198950.3(MYO16):c.2985C>T (p.Leu995=)

Gene: MYO16 (myosin XVI; plus strand). Cytogenetic location: 13q33.3.
Variant type: single nucleotide variant.
Coding change: c.2985C>T on transcript NM_001198950.3 (MANE Select); coding-DNA position 2985, C replaced by T.
Protein change: p.Leu995=; no amino-acid change (leucine 995 retained).
Molecular consequence: synonymous variant.
Genome position (GRCh38, 1-based): chr13:109,052,412, C>T. VCF-style: chr13-109052412-C-T. GRCh37 (hg19) VCF-style: chr13-109704760-C-T.
Other names: c.2919C>T, p.Leu973= (NM_015011.3).
Identifiers: ClinVar variation 3037260 (VCV003037260.2), dbSNP rs2303965, ClinGen allele CA7045260.
Genomic context (GRCh38, chr13:109,052,412, plus strand): 5'-AGGATCCCTCGTATCTGCCTATCCTTCCTTTAAATTCCGAGGACATAAGTCTGCCCTGCT[C>T]AGTAAGAAAATGACAGCTTCTTCAATTATTGGAGAAAACAAGAATTATCTAGAACTTAGT-3'
Protein context (NP_001185879.1, residues 985-1005): FKFRGHKSAL[Leu995=]SKKMTASSII